The following is an entry in ClinVar:

ClinVar aggregate classification (germline): Likely benign (0 of 4 stars; one submission).

Conditions:
MUC16-related disorder. Also called: MUC16-related condition.

Submission:

PreventionGenetics, part of Exact Sciences
Classification: Likely benign for MUC16-related condition. Last evaluated: 2019-10-21. Review status: no assertion criteria provided. Collection method: clinical testing. Allele origin: germline.
Comment: This variant is classified as likely benign based on ACMG/AMP sequence variant interpretation guidelines (Richards et al. 2015 PMID: 25741868, with internal and published modifications).

NM_001401501.2(MUC16):c.41943-6G>C

Gene: MUC16 (mucin 16, cell surface associated; minus strand). Cytogenetic location: 19p13.2.
Variant type: single nucleotide variant.
Coding change: c.41943-6G>C on transcript NM_001401501.2 (MANE Select); 6 bases into the intron before coding-DNA position 41943, G replaced by C.
Molecular consequence: intron variant.
Genome position (GRCh38, 1-based): chr19:8,882,372, C>G on the plus strand (G>C on the coding strand, the complement: MUC16 is on the minus strand). VCF-style: chr19-8882372-C-G. GRCh37 (hg19) VCF-style: chr19-8993048-C-G.
Other names: c.42369-6G>C (NM_001414686.1); c.41823-6G>C (NM_001414687.1); c.41717-6G>C (NM_024690.2).
Identifiers: ClinVar variation 3056046 (VCV003056046.2), dbSNP rs771781486, ClinGen allele CA9162693.